The following is an entry in ClinVar:

NM_001374504.1(TMPRSS6):c.963G>A (p.Val321=)

Gene: TMPRSS6 (transmembrane serine protease 6; minus strand). Cytogenetic location: 22q12.3.
Variant type: single nucleotide variant.
Coding change: c.963G>A on transcript NM_001374504.1 (MANE Select); coding-DNA position 963, G replaced by A.
Protein change: p.Val321=; no amino-acid change (valine 321 retained).
Molecular consequence: synonymous variant.
Genome position (GRCh38, 1-based): chr22:37,086,293, C>T on the plus strand (G>A on the coding strand, the complement: TMPRSS6 is on the minus strand). VCF-style: chr22-37086293-C-T. GRCh37 (hg19) VCF-style: chr22-37482333-C-T.
Other names: p.Val330=; c.963G>A, p.Val321= (NM_001289000.2, NM_001289001.2, NM_153609.4); c.990G>A (NM_153609.3).
Identifiers: ClinVar variation 2162586 (VCV002162586.5), dbSNP rs151330645, ClinGen allele CA10215838.

ClinVar aggregate classification (germline): Benign/Likely benign. Review status: criteria provided, multiple submitters, no conflicts (2 of 4 stars). 2 submissions from 2 submitters: Benign (1); Likely benign (1). Last evaluated 2025-09-30.

Allele frequency attached by ClinVar (database versions not stated): ExAC 0.00035; 1000 Genomes Project 30x 0.00078; 1000 Genomes Project 0.00080; gnomAD 0.00127; TOPMed 0.00141; ESP Exome Variant Server 0.00146.
gnomAD v4.1: 374 of 1,614,096 alleles (0.023%); highest among the groups gnomAD compares: African/African-American, 0.46%; 2 homozygotes.

Submissions (2):

Mayo Clinic Laboratories, Mayo Clinic
Classification: Likely benign. Last evaluated: 2025-09-30. Review status: criteria provided, single submitter. Criteria: ACMG Guidelines, 2015. Collection method: clinical testing. Allele origin: germline. Observed: 1 variant allele.
Comment: BS2, BP4

Labcorp Genetics (formerly Invitae), Labcorp
Classification: Benign. Last evaluated: 2024-11-13. Review status: criteria provided, single submitter. Criteria: Invitae Variant Classification Sherloc (09022015). Collection method: clinical testing. Allele origin: germline.